The following is an entry in ClinVar:

ClinVar aggregate classification (germline): Uncertain significance (1 of 4 stars; one submission).

gnomAD v4.1: 15 of 1,614,206 alleles (0.00093%); highest among the groups gnomAD compares: Non-Finnish European, 0.0013%; no homozygotes.

Submission:

Center for Pediatric Genomic Medicine, Children's Mercy Hospital and Clinics
Classification: Uncertain significance. Last evaluated: 2016-09-28. Review status: criteria provided, single submitter. Criteria: ACMG Guidelines, 2015. Collection method: clinical testing. Allele origin: germline.
ClinVar note: Converted during submission from Uncertain Significance to Uncertain significance.

NM_005005.3(NDUFB9):c.477G>C (p.Lys159Asn)

Gene: NDUFB9 (NADH:ubiquinone oxidoreductase subunit B9; plus strand). Cytogenetic location: 8q24.13.
Variant type: single nucleotide variant.
Coding change: c.477G>C on transcript NM_005005.3 (MANE Select); coding-DNA position 477, G replaced by C.
Protein change: p.Lys159Asn; replaces lysine 159 with asparagine.
Molecular consequence: missense variant.
Genome position (GRCh38, 1-based): chr8:124,549,829, G>C. VCF-style: chr8-124549829-G-C. GRCh37 (hg19) VCF-style: chr8-125562070-G-C.
Other names: c.309G>C, p.Lys103Asn (NM_001278645.2); c.348G>C, p.Lys116Asn (NM_001278646.2); c.444G>C, p.Lys148Asn (NM_001311168.2); short protein forms K159N, K103N, K148N, K116N.
Identifiers: ClinVar variation 377380 (VCV000377380.3), dbSNP rs774020236, ClinGen allele CA16603357.